The following is an entry in ClinVar:

NM_152564.5(VPS13B):c.2921G>C (p.Arg974Thr)

Gene: VPS13B (vacuolar protein sorting 13 homolog B; plus strand). Cytogenetic location: 8q22.2.
Variant type: single nucleotide variant.
Coding change: c.2921G>C on transcript NM_152564.5 (MANE Select); coding-DNA position 2921, G replaced by C.
Protein change: p.Arg974Thr; replaces arginine 974 with threonine.
Molecular consequence: missense variant.
Genome position (GRCh38, 1-based): chr8:99,384,304, G>C. VCF-style: chr8-99384304-G-C. GRCh37 (hg19) VCF-style: chr8-100396532-G-C.
Other names: c.2921G>C (NM_152564.4); c.2921G>C, p.Arg974Thr (NM_017890.5); short protein forms R974T.
Identifiers: ClinVar variation 967223 (VCV000967223.8), dbSNP rs763519651, ClinGen allele CA4823089.

ClinVar aggregate classification (germline): Uncertain significance. Review status: criteria provided, multiple submitters, no conflicts (2 of 4 stars). 4 submissions from 4 submitters: Uncertain significance (3). 1 of the submissions does not count toward it. Last evaluated 2025-12-08.

Conditions:
Cohen syndrome (COH1). Also called: PEPPER SYNDROME; Cutis verticis gyrata, retinitis pigmentosa, and sensorineural deafness. Identifiers: Orphanet 193, MedGen C0265223, MONDO:0008999, OMIM 216550.
VPS13B-related disorder. Also called: VPS13B-related condition.

Allele frequency attached by ClinVar (database versions not stated): ExAC 0.00001; gnomAD 0.00001; gnomAD exomes 0.00001; TOPMed 0.00001.
gnomAD v4.1: 19 of 1,613,150 alleles (0.0012%); highest among the groups gnomAD compares: Non-Finnish European, 0.00017%; no homozygotes.

Submissions (4):

PreventionGenetics, part of Exact Sciences
Classification: Uncertain significance for VPS13B-related condition. Last evaluated: 2025-12-08. Review status: criteria provided, single submitter. Criteria: ACMG Guidelines, 2015. Collection method: clinical testing. Allele origin: germline.
Comment: The VPS13B c.2921G>C variant is predicted to result in the amino acid substitution p.Arg974Thr. To our knowledge, this variant has not been reported in the literature. This variant is reported in 0.030% of alleles in individuals of Ashkenazi Jewish descent in gnomAD. At this time, the clinical significance of this variant is uncertain due to the absence of conclusive functional and genetic evidence.

Blueprint Genetics
Classification: Uncertain significance. Last evaluated: 2024-09-02. Review status: criteria provided, single submitter. Criteria: ACMG Guidelines, 2015. Collection method: clinical testing. Allele origin: germline.

Labcorp Genetics (formerly Invitae), Labcorp
Classification: Uncertain significance for Cohen syndrome. Last evaluated: 2022-02-05. Review status: criteria provided, single submitter. Criteria: Invitae Variant Classification Sherloc (09022015). Collection method: clinical testing. Allele origin: germline.
Comment: This sequence change replaces arginine, which is basic and polar, with threonine, which is neutral and polar, at codon 974 of the VPS13B protein (p.Arg974Thr). This variant is present in population databases (rs763519651, gnomAD 0.03%). This variant has not been reported in the literature in individuals affected with VPS13B-related conditions. ClinVar contains an entry for this variant (Variation ID: 967223). Algorithms developed to predict the effect of missense changes on protein structure and function are either unavailable or do not agree on the potential impact of this missense change (SIFT: "Not Available"; PolyPhen-2: "Possibly Damaging"; Align-GVGD: "Not Available"). In summary, the available evidence is currently insufficient to determine the role of this variant in disease. Therefore, it has been classified as a Variant of Uncertain Significance.

Natera, Inc.
Classification: Uncertain significance for Cohen syndrome. Last evaluated: 2020-06-17. Review status: no assertion criteria provided. Collection method: clinical testing. Allele origin: germline. Not counted in ClinVar's aggregate classification.